The following is an entry in ClinVar:

ClinVar aggregate classification (germline): Benign (1 of 4 stars; one submission).

Allele frequency attached by ClinVar (database versions not stated): 1000 Genomes Project 30x 0.42177; 1000 Genomes Project 0.42752; TOPMed 0.43059; gnomAD 0.44567; ESP Exome Variant Server 0.44573; ExAC 0.54005; gnomAD exomes 0.56751.
gnomAD v4.1: 836,508 of 1,506,956 alleles (56%); highest among the groups gnomAD compares: Non-Finnish European, 59%; 240,438 homozygotes.

Submission:

Unidad de Genómica Garrahan, Hospital de Pediatría Garrahan
Classification: Benign. Last evaluated: 2024-01-24. Review status: criteria provided, single submitter. Criteria: ACMG Guidelines, 2015. Collection method: clinical testing. Allele origin: germline. Affected: no. Observed: 77 variant alleles.
Comment: This variant is classified as Benign based on local population frequency. This variant was detected in 81% of patients studied by a panel of primary immunodeficiencies. Number of patients: 77. Only high quality variants are reported.

NM_003120.3(SPI1):c.331-36C>T

Gene: SPI1 (Spi-1 proto-oncogene; minus strand). Cytogenetic location: 11p11.2.
Variant type: single nucleotide variant.
Coding change: c.331-36C>T on transcript NM_003120.3 (MANE Select); 36 bases into the intron before coding-DNA position 331, C replaced by T.
Molecular consequence: intron variant.
Genome position (GRCh38, 1-based): chr11:47,359,042, G>A on the plus strand (C>T on the coding strand, the complement: SPI1 is on the minus strand). VCF-style: chr11-47359042-G-A. GRCh37 (hg19) VCF-style: chr11-47380593-G-A.
Other names: c.334-36C>T (NM_001080547.2).
Identifiers: ClinVar variation 2687976 (VCV002687976.2), dbSNP rs3740689, ClinGen allele CA5975506.
Genomic context (GRCh38, chr11:47,359,042, plus strand): 5'-GGCACATCCGGGGCAGGTAGGAGACCTGGACGGTGGGGGAAGGAGATCAGAGTCAGGAAG[G>A]GCCAGCTTACAGCTCAGGGGGGCTGGGAGGGAGGTCAGCTGGGGAGAGAAGGAGTGCAGA-3'